The following is an entry in ClinVar:

NM_181453.4(GCC2):c.4569G>A (p.Thr1523=)

Gene: GCC2 (GRIP and coiled-coil domain containing 2; plus strand). Cytogenetic location: 2q12.3.
Variant type: single nucleotide variant.
Coding change: c.4569G>A on transcript NM_181453.4 (MANE Select); coding-DNA position 4569, G replaced by A.
Protein change: p.Thr1523=; no amino-acid change (threonine 1523 retained).
Molecular consequence: synonymous variant.
Genome position (GRCh38, 1-based): chr2:108,495,412, G>A. VCF-style: chr2-108495412-G-A. GRCh37 (hg19) VCF-style: chr2-109111868-G-A.
Other names: c.4266G>A, p.Thr1422= (NM_001410194.1, NM_014635.3).
Identifiers: ClinVar variation 3025787 (VCV003025787.22), dbSNP rs138104724, ClinGen allele CA1821337.

ClinVar aggregate classification (germline): Likely benign (1 of 4 stars; one submission).

Allele frequency attached by ClinVar (database versions not stated): gnomAD exomes 0.00034; gnomAD 0.00036; 1000 Genomes Project 0.00040; TOPMed 0.00042; 1000 Genomes Project 30x 0.00047; ExAC 0.00049; ESP Exome Variant Server 0.00055.
gnomAD v4.1: 577 of 1,591,140 alleles (0.036%); highest among the groups gnomAD compares: Middle Eastern, 0.068%; 3 homozygotes.

Submission:

CeGaT Center for Human Genetics Tuebingen
Classification: Likely benign. Last evaluated: 2024-02-01. Review status: criteria provided, single submitter. Criteria: CeGaT Center For Human Genetics Tuebingen Variant Classification Criteria Version 2. Collection method: clinical testing. Allele origin: germline. Affected: yes. Observed: 1 variant allele.
Comment: GCC2: BP4, BP7